The following is an entry in ClinVar:

ClinVar aggregate classification (germline): Pathogenic (1 of 4 stars; one submission).

Conditions:
Methylmalonic aciduria, cblA type (MACA). Also called: Methylmalonic aciduria, vitamin b12-responsive, due to defect in synthesis of adenosylcobalamin, cbla complementation type; MMA cbl A type; Methylmalonic acidemia cblA type; Methylmalonic aciduria, vitamin B12-responsive; Vitamin B12-responsive methylmalonic acidemia type cblA. Identifiers: Orphanet 28, Orphanet 79310, MedGen C1855109, MONDO:0009613, OMIM 251100.

Submission:

Myriad Genetics, Inc.
Classification: Pathogenic for Methylmalonic aciduria, cblA type. Last evaluated: 2024-12-14. Review status: criteria provided, single submitter. Criteria: Myriad Autosomal Dominant, Autosomal Recessive and X-Linked Classification Criteria (2023). Collection method: clinical testing. Allele origin: unknown.
Comment: NM_172250.2(MMAA):c.639_640delTAinsC(R214Efs*4) is expected to be pathogenic in the context of methylmalonic acidemia, cblA type. This variant is predicted to lead to an abnormal or absent protein product due to the creation of a premature termination codon in MMAA, a gene where loss-of-function variants are known to be pathogenic. Please note: this variant was assessed in the context of healthy population screening.

NM_172250.3(MMAA):c.639_640delinsC (p.Arg214fs)

Gene: MMAA (metabolism of cobalamin associated A; plus strand). Cytogenetic location: 4q31.21.
Variant type: Indel.
Coding change: c.639_640delinsC on transcript NM_172250.3 (MANE Select); coding-DNA positions 639 to 640, TA replaced by C.
Protein change: p.Arg214fs; shifts the reading frame from arginine 214.
Molecular consequence: frameshift variant.
Genome position (GRCh38, 1-based): chr4:145,646,062-145,646,063, TA replaced by C. VCF-style: chr4-145646062-TA-C. GRCh37 (hg19) VCF-style: chr4-146567214-TA-C.
Other names: c.639_640delinsC, p.Arg214fs (NM_001375644.1); short protein forms R214fs.
Identifiers: ClinVar variation 5013856 (VCV005013856.1).